The following is an entry in ClinVar:

NM_001029896.2(WDR45):c.52C>T (p.Gln18Ter)

Genes: WDR45 (WD repeat domain 45; minus strand), LOC126863256 (BRD4-independent group 4 enhancer GRCh37_chrX:48934848-48936047; plus strand). Cytogenetic location: Xp11.23.
Variant type: single nucleotide variant.
Coding change: c.52C>T on transcript NM_001029896.2 (MANE Select); coding-DNA position 52, C replaced by T.
Protein change: p.Gln18Ter; replaces glutamine 18 with a stop codon.
Molecular consequence: nonsense.
Genome position (GRCh38, 1-based): chrX:49,078,044, G>A on the plus strand (C>T on the coding strand, the complement: WDR45 is on the minus strand). VCF-style: chrX-49078044-G-A. GRCh37 (hg19) VCF-style: chrX-48935703-G-A.
Other names: c.52C>T, p.Gln18Ter (NM_007075.4); short protein forms Q18*.
Identifiers: ClinVar variation 620358 (VCV000620358.44), dbSNP rs1569523562, ClinGen allele CA412949480.
Genomic context (GRCh38, chrX:49,078,044, plus strand): 5'-CTGACCCCTCTTTTCCTCGCTTCCTCCCACAAGGGTACAGGCCCAATCCTCTCTCACTTT[G>A]GTCTTGGTTGAAACGCAGGCTGGTCACTCCTCGAAGTGGCTGTTGAGTCATGGTGCAGGA-3'

ClinVar aggregate classification (germline): Pathogenic/Likely pathogenic. Review status: criteria provided, multiple submitters, no conflicts (2 of 4 stars). 3 submissions from 3 submitters: Pathogenic (2); Likely pathogenic (1). Last evaluated 2019-10-21.

Conditions:
Neurodegeneration with brain iron accumulation 5 (NBIA5). Also called: STATIC ENCEPHALOPATHY OF CHILDHOOD WITH NEURODEGENERATION IN ADULTHOOD; Beta-propeller protein-associated neurodegeneration. Identifiers: Orphanet 329284, MedGen C3550973, MONDO:0010476, OMIM 300894.

Submissions (3):

GeneDx
Classification: Pathogenic. Last evaluated: 2019-10-21. Review status: criteria provided, single submitter. Criteria: GeneDx Variant Classification Process June 2021. Collection method: clinical testing. Allele origin: germline. Affected: yes.
Comment: Nonsense variant predicted to result in protein truncation or nonsense mediated decay in a gene for which loss-of-function is a known mechanism of disease; Not observed in large population cohorts (Lek et al., 2016); Has not been previously published as pathogenic or benign to our knowledge; This variant is associated with the following publications: (PMID: 32387008)

CeGaT Center for Human Genetics Tuebingen
Classification: Pathogenic. Last evaluated: 2019-06-01. Review status: criteria provided, single submitter. Criteria: CeGaT Center For Human Genetics Tuebingen Variant Classification Criteria Version 2. Collection method: clinical testing. Allele origin: germline. Affected: yes. Observed: 1 variant allele.

Women's Health and Genetics/Laboratory Corporation of America, LabCorp
Classification: Likely pathogenic for Neurodegeneration with brain iron accumulation 5. Last evaluated: 2019-02-03. Review status: criteria provided, single submitter. Criteria: LabCorp Variant Classification Summary - May 2015. Collection method: clinical testing. Allele origin: germline.
Comment: Variant summary: WDR45 c.52C>T (p.Gln18X) results in a premature termination codon, predicted to cause a truncation of the encoded protein or absence of the protein due to nonsense mediated decay, which are commonly known mechanisms for disease. Truncations downstream of this position have been classified as pathogenic by other laboratories in ClinVar (eg. c.400C>T (p.Arg134X) and c.210_213dup (p.Pro72Terfs)). The variant was absent in 200371 control chromosomes (gnomAD). To our knowledge, no occurrence of c.52C>T in individuals affected with Neurodegeneration with brain iron accumulation 5 and no experimental evidence demonstrating its impact on protein function have been reported. No clinical diagnostic laboratories have submitted clinical-significance assessments for this variant to ClinVar after 2014. Based on the evidence outlined above, the variant was classified as likely pathogenic.